The following is an entry in ClinVar:

ClinVar aggregate classification (germline): Benign. Review status: criteria provided, multiple submitters, no conflicts (2 of 4 stars). 4 submissions from 4 submitters: Benign (4). Last evaluated 2026-01-28.

Allele frequency attached by ClinVar (database versions not stated): gnomAD exomes 0.00104 and 0.00273; ExAC 0.00350; gnomAD 0.01030 and 0.01112; TOPMed 0.01132; ESP Exome Variant Server 0.01184; 1000 Genomes Project 0.01238; 1000 Genomes Project 30x 0.01249.
gnomAD v4.1: 3,114 of 1,613,974 alleles (0.19%); highest among the groups gnomAD compares: African/African-American, 3.7%; 61 homozygotes.

Submissions (4):

Labcorp Genetics (formerly Invitae), Labcorp
Classification: Benign. Last evaluated: 2026-01-28. Review status: criteria provided, single submitter. Criteria: Invitae Variant Classification Sherloc (09022015). Collection method: clinical testing. Allele origin: germline.

ARUP Laboratories, Molecular Genetics and Genomics, ARUP Laboratories
Classification: Benign. Last evaluated: 2023-11-29. Review status: criteria provided, single submitter. Criteria: ARUP Molecular Germline Variant Investigation Process 2024. Collection method: clinical testing. Allele origin: germline.

GeneDx
Classification: Benign. Last evaluated: 2017-07-17. Review status: criteria provided, single submitter. Criteria: GeneDx Variant Classification (06012015). Collection method: clinical testing. Allele origin: germline. Affected: yes.
Comment: This variant is considered likely benign or benign based on one or more of the following criteria: it is a conservative change, it occurs at a poorly conserved position in the protein, it is predicted to be benign by multiple in silico algorithms, and/or has population frequency not consistent with disease.

Breakthrough Genomics
Classification: Benign. Review status: criteria provided, single submitter. Criteria: ACMG Guidelines, 2015. Collection method: not provided. Allele origin: germline. Inheritance: Autosomal recessive inheritance. Affected: yes.

NM_001291303.3(FAT4):c.8842A>G (p.Ile2948Val)

Gene: FAT4 (FAT atypical cadherin 4; plus strand). Cytogenetic location: 4q28.1.
Variant type: single nucleotide variant.
Coding change: c.8842A>G on transcript NM_001291303.3 (MANE Select); coding-DNA position 8842, A replaced by G.
Protein change: p.Ile2948Val; replaces isoleucine 2948 with valine.
Molecular consequence: missense variant.
Genome position (GRCh38, 1-based): chr4:125,449,852, A>G. VCF-style: chr4-125449852-A-G. GRCh37 (hg19) VCF-style: chr4-126371007-A-G.
Other names: c.8842A>G, p.Ile2948Val (NM_001291285.3); c.8836A>G, p.Ile2946Val (NM_024582.6); short protein forms I2946V, I2948V.
Identifiers: ClinVar variation 506463 (VCV000506463.12), dbSNP rs76048257, ClinGen allele CA3073432.
Genomic context (GRCh38, chr4:125,449,852, plus strand): 5'-GAGATTTTCAATAAACAGATCTTAAAATACCAAAATGTCACTGGCTTCAGTAATGTGAAT[A>G]TCAACAGGCATAGTTTTATAGTGACATCTTCAGATCGAGGTAAACCTTCCTTAATTAGTG-3'
Protein context (NP_001278232.1, residues 2938-2958): QNVTGFSNVN[Ile2948Val]NRHSFIVTSS